The following is an entry in ClinVar:

ClinVar aggregate classification (germline): Uncertain significance (1 of 4 stars; one submission).

Conditions:
Hereditary cancer-predisposing syndrome. Also called: Hereditary Cancer Syndrome; Tumor predisposition; Hereditary neoplastic syndrome; Neoplastic Syndromes, Hereditary. Identifiers: Orphanet 140162, MedGen C0027672, MeSH D009386, MONDO:0015356.
Cardiovascular phenotype. Identifiers: MedGen CN230736.

Submission:

Ambry Genetics
Classification: Uncertain significance for Cardiovascular phenotype; Hereditary cancer-predisposing syndrome. Last evaluated: 2024-07-09. Review status: criteria provided, single submitter. Criteria: Ambry Variant Classification Scheme 2023. Collection method: clinical testing. Allele origin: germline.
Comment: The p.L1161P variant (also known as c.3482T>C), located in coding exon 26 of the NF1 gene, results from a T to C substitution at nucleotide position 3482. The leucine at codon 1161 is replaced by proline, an amino acid with similar properties. This amino acid position is conserved. In addition, this alteration is predicted to be deleterious by in silico analysis. Based on the available evidence, the clinical significance of this variant remains unclear.

NM_001042492.3(NF1):c.3482T>C (p.Leu1161Pro)

Gene: NF1 (neurofibromin 1; plus strand). Cytogenetic location: 17q11.2.
Variant type: single nucleotide variant.
Coding change: c.3482T>C on transcript NM_001042492.3 (MANE Select); coding-DNA position 3482, T replaced by C.
Protein change: p.Leu1161Pro; replaces leucine 1161 with proline.
Molecular consequence: missense variant.
Genome position (GRCh38, 1-based): chr17:31,232,867, T>C. VCF-style: chr17-31232867-T-C. GRCh37 (hg19) VCF-style: chr17-29559885-T-C.
Other names: c.3482T>C, p.Leu1161Pro (NM_000267.4); short protein forms L1161P.
Identifiers: ClinVar variation 3404662 (VCV003404662.1).
Genomic context (GRCh38, chr17:31,232,867, plus strand): 5'-TGAGGCACTGTACGGTCCTTGCAATGTCAAACTTACTCAATGCCAACGTAGACAGTGGTC[T>C]CATGCACTCCATAGGTGAGATCAAATGAAAGTTTCATATAGAAATACAAAACCTAGAGAA-3'
Protein context (NP_001035957.1, residues 1151-1171): NLLNANVDSG[Leu1161Pro]MHSIGLGYHK